The following is an entry in ClinVar:

ClinVar aggregate classification (germline): Uncertain significance (1 of 4 stars; one submission).

Conditions:
Baller-Gerold syndrome (BGS). Also called: CRANIOSYNOSTOSIS WITH RADIAL DEFECTS. Identifiers: Orphanet 1225, MedGen C0265308, MONDO:0009039, OMIM 218600.

Submission:

Labcorp Genetics (formerly Invitae), Labcorp
Classification: Uncertain significance for Baller-Gerold syndrome. Last evaluated: 2022-06-07. Review status: criteria provided, single submitter. Criteria: Invitae Variant Classification Sherloc (09022015). Collection method: clinical testing. Allele origin: germline.
Comment: This sequence change replaces proline, which is neutral and non-polar, with glutamine, which is neutral and polar, at codon 1116 of the RECQL4 protein (p.Pro1116Gln). This variant is not present in population databases (gnomAD no frequency). This variant has not been reported in the literature in individuals affected with RECQL4-related conditions. Experimental studies and prediction algorithms are not available or were not evaluated, and the functional significance of this variant is currently unknown. In summary, the available evidence is currently insufficient to determine the role of this variant in disease. Therefore, it has been classified as a Variant of Uncertain Significance.

NM_004260.4(RECQL4):c.3347C>A (p.Pro1116Gln)

Gene: RECQL4 (RecQ like helicase 4; minus strand). Cytogenetic location: 8q24.3.
Variant type: single nucleotide variant.
Coding change: c.3347C>A on transcript NM_004260.4 (MANE Select); coding-DNA position 3347, C replaced by A.
Protein change: p.Pro1116Gln; replaces proline 1116 with glutamine.
Molecular consequence: missense variant.
Genome position (GRCh38, 1-based): chr8:144,511,957, G>T on the plus strand (C>A on the coding strand, the complement: RECQL4 is on the minus strand). VCF-style: chr8-144511957-G-T. GRCh37 (hg19) VCF-style: chr8-145737340-G-T.
Other names: c.3053C>A, p.Pro1018Gln (NM_001413017.1); c.3149C>A, p.Pro1050Gln (NM_001413018.1); c.3422C>A, p.Pro1141Gln (NM_001413019.1); c.3251C>A, p.Pro1084Gln (NM_001413020.1); c.2276C>A, p.Pro759Gln (NM_001413021.1, NM_001413022.1, NM_001413024.1 and 4 more transcripts); c.2351C>A, p.Pro784Gln (NM_001413023.1); c.3218C>A, p.Pro1073Gln (NM_001413025.1); c.2210C>A, p.Pro737Gln (NM_001413027.1, NM_001413030.1, NM_001413032.1); and 9 more; short protein forms P1018Q, P1072Q, P1084Q, P762Q, P784Q, P1106Q, P627Q, P693Q.
Identifiers: ClinVar variation 2154911 (VCV002154911.4), dbSNP rs368671582, ClinGen allele CA372668424.
Genomic context (GRCh38, chr8:144,511,957, plus strand): 5'-CTTACTGCACTCACTCTGGCCTGCCCTGGCTCGGGGCCCTGTGCGTCCTCCATGCCTCCC[G>T]GCTCCTGCCCTTCCTCTTCCTCAAAGTAGCGGCCGAGCAGGTCCTTGAGCCTGGTGCTGC-3'
Protein context (NP_004251.4, residues 1106-1126): RYFEEEEGQE[Pro1116Gln]GGMEDAQGPE